The following is an entry in ClinVar:

ClinVar aggregate classification (germline): Uncertain significance (1 of 4 stars; one submission).

Conditions:
Hereditary nonpolyposis colorectal neoplasms. Identifiers: MedGen C0009405, MeSH D003123.

Submission:

Labcorp Genetics (formerly Invitae), Labcorp
Classification: Uncertain significance for Hereditary nonpolyposis colorectal neoplasms. Last evaluated: 2024-10-29. Review status: criteria provided, single submitter. Criteria: Invitae Variant Classification Sherloc (09022015). Collection method: clinical testing. Allele origin: germline.
Comment: This sequence change replaces arginine, which is basic and polar, with glycine, which is neutral and non-polar, at codon 62 of the MSH6 protein (p.Arg62Gly). This variant is not present in population databases (gnomAD no frequency). This variant has not been reported in the literature in individuals affected with MSH6-related conditions. Invitae Evidence Modeling of protein sequence and biophysical properties (such as structural, functional, and spatial information, amino acid conservation, physicochemical variation, residue mobility, and thermodynamic stability) indicates that this missense variant is not expected to disrupt MSH6 protein function with a negative predictive value of 95%. In summary, the available evidence is currently insufficient to determine the role of this variant in disease. Therefore, it has been classified as a Variant of Uncertain Significance.

NM_000179.3(MSH6):c.184C>G (p.Arg62Gly)

Gene: MSH6 (mutS homolog 6; plus strand). Cytogenetic location: 2p16.3.
Variant type: single nucleotide variant.
Coding change: c.184C>G on transcript NM_000179.3 (MANE Select); coding-DNA position 184, C replaced by G.
Protein change: p.Arg62Gly; replaces arginine 62 with glycine.
Molecular consequence: missense variant. On other transcripts: 5 prime UTR variant (7), synonymous variant (1), non-coding transcript variant (5), intron variant (5).
Genome position (GRCh38, 1-based): chr2:47,783,417, C>G. VCF-style: chr2-47783417-C-G. GRCh37 (hg19) VCF-style: chr2-48010556-C-G.
Other names: c.184C>G, p.Arg62Gly (NM_001281492.2, NM_001406795.1, NM_001406796.1 and 9 more transcripts); c.-553C>G (NM_001281493.2, NM_001406811.1); c.-145C>G (NM_001406799.1); c.129C>G, p.Arg43= (NM_001406804.1); c.-745C>G (NM_001406807.1); c.-400C>G (NM_001406812.1); c.-811C>G (NM_001406814.1); c.-356C>G (NM_001406816.1); and 3 more; short protein forms R62G.
Identifiers: ClinVar variation 3671271 (VCV003671271.2).
Genomic context (GRCh38, chr2:47,783,417, plus strand): 5'-CCTTCCCCAGGCGGGGATGCGGCCTGGAGCGAGGCTGGGCCTGGGCCCAGGCCCTTGGCG[C>G]GCTCCGCGTCACCGCCCAAGGCGAAGAACCTCAACGGAGGGCTGCGGAGATCGGTAGCGC-3'
Protein context (NP_000170.1, residues 52-72): EAGPGPRPLA[Arg62Gly]SASPPKAKNL